The following is an entry in ClinVar:

ClinVar aggregate classification (germline): Uncertain significance. Review status: criteria provided, multiple submitters, no conflicts (2 of 4 stars). 2 submissions from 2 submitters: Uncertain significance (2). Last evaluated 2025-01-08.

Conditions:
Acromesomelic dysplasia 1, Maroteaux type (AMD1). Also called: ST. HELENA DYSPLASIA; ACROMESOMELIC DYSPLASIA 1. Identifiers: Orphanet 40, MedGen C1864356, MONDO:0011275, OMIM 602875.
Tall stature-scoliosis-macrodactyly of the great toes syndrome. Also called: Epiphyseal chondrodysplasia, miura type. Identifiers: Orphanet 329191, MedGen C4014690, MONDO:0014401, OMIM 615923.
Inborn genetic diseases. Identifiers: MedGen C0950123, MeSH D030342.

Allele frequency attached by ClinVar (database versions not stated): gnomAD 0.00001; gnomAD exomes 0.00001; TOPMed 0.00001.
gnomAD v4.1: 4 of 1,614,024 alleles (0.00025%); highest among the groups gnomAD compares: Admixed American, 0.0067%; no homozygotes.

Submissions (2):

Labcorp Genetics (formerly Invitae), Labcorp
Classification: Uncertain significance for Tall stature-scoliosis-macrodactyly of the great toes syndrome; Acromesomelic dysplasia 1, Maroteaux type. Last evaluated: 2025-01-08. Review status: criteria provided, single submitter. Criteria: Invitae Variant Classification Sherloc (09022015). Collection method: clinical testing. Allele origin: germline.
Comment: This sequence change replaces asparagine, which is neutral and polar, with serine, which is neutral and polar, at codon 247 of the NPR2 protein (p.Asn247Ser). This variant is present in population databases (no rsID available, gnomAD 0.009%). This variant has not been reported in the literature in individuals affected with NPR2-related conditions. ClinVar contains an entry for this variant (Variation ID: 2949138). Invitae Evidence Modeling of protein sequence and biophysical properties (such as structural, functional, and spatial information, amino acid conservation, physicochemical variation, residue mobility, and thermodynamic stability) indicates that this missense variant is not expected to disrupt NPR2 protein function with a negative predictive value of 80%. In summary, the available evidence is currently insufficient to determine the role of this variant in disease. Therefore, it has been classified as a Variant of Uncertain Significance.

Ambry Genetics
Classification: Uncertain significance for Inborn genetic diseases. Last evaluated: 2024-11-08. Review status: criteria provided, single submitter. Criteria: Ambry Variant Classification Scheme 2023. Collection method: clinical testing. Allele origin: germline.

NM_003995.4(NPR2):c.740A>G (p.Asn247Ser)

Gene: NPR2 (natriuretic peptide receptor 2; plus strand). Cytogenetic location: 9p13.3.
Variant type: single nucleotide variant.
Coding change: c.740A>G on transcript NM_003995.4 (MANE Select); coding-DNA position 740, A replaced by G.
Protein change: p.Asn247Ser; replaces asparagine 247 with serine.
Molecular consequence: missense variant.
Genome position (GRCh38, 1-based): chr9:35,793,970, A>G. VCF-style: chr9-35793970-A-G. GRCh37 (hg19) VCF-style: chr9-35793967-A-G.
Other names: c.740A>G (NM_003995.3); c.740A>G, p.Asn247Ser (NM_001378923.1); short protein forms N247S.
Identifiers: ClinVar variation 2949138 (VCV002949138.4), dbSNP rs1193711026, ClinGen allele CA373367088.